The following is an entry in ClinVar:

NM_139076.3(ABRAXAS1):c.56C>G (p.Ala19Gly)

Genes: ABRAXAS1 (abraxas 1, BRCA1 A complex subunit; minus strand), LOC129992784 (ATAC-STARR-seq lymphoblastoid silent region 15542; plus strand). Cytogenetic location: 4q21.23.
Variant type: single nucleotide variant.
Coding change: c.56C>G on transcript NM_139076.3 (MANE Select); coding-DNA position 56, C replaced by G.
Protein change: p.Ala19Gly; replaces alanine 19 with glycine.
Molecular consequence: missense variant. On other transcripts: 5 prime UTR variant (1).
Genome position (GRCh38, 1-based): chr4:83,485,017, G>C on the plus strand (C>G on the coding strand, the complement: ABRAXAS1 is on the minus strand). VCF-style: chr4-83485017-G-C. GRCh37 (hg19) VCF-style: chr4-84406170-G-C.
Other names: c.-205C>G (NM_001345962.2); short protein forms A19G.
Identifiers: ClinVar variation 1800358 (VCV001800358.2), dbSNP rs1164079837, ClinGen allele CA357263967.
Genomic context (GRCh38, chr4:83,485,017, plus strand): 5'-GCCGGACCCCGCCCCGTCCCTCGGCTCACCGTGTCCGAGTCCGTGTTGAGGTGCTGGAAA[G>C]CGAGTGCGCCGAGCACAAAGCCCGAGAGCACCGCCGACGTACTCTCCCCCTCCATGCTAC-3'
Protein context (NP_620775.2, residues 9-29): VLSGFVLGAL[Ala19Gly]FQHLNTDSDT

ClinVar aggregate classification (germline): Uncertain significance (1 of 4 stars; one submission).

Submission:

Ambry Genetics
Classification: Uncertain significance. Last evaluated: 2021-09-16. Review status: criteria provided, single submitter. Criteria: Ambry Variant Classification Scheme 2023. Collection method: clinical testing. Allele origin: germline.
Comment: The p.A19G variant (also known as c.56C>G), located in coding exon 1 of the FAM175A gene, results from a C to G substitution at nucleotide position 56. The alanine at codon 19 is replaced by glycine, an amino acid with similar properties. This amino acid position is conserved. In addition, this alteration is predicted to be tolerated by in silico analysis. Since supporting evidence is limited at this time, the clinical significance of this alteration remains unclear.